The following is an entry in ClinVar:

NM_001038.6(SCNN1A):c.452A>G (p.Asp151Gly)

Gene: SCNN1A (sodium channel epithelial 1 subunit alpha; minus strand). Cytogenetic location: 12p13.31.
Variant type: single nucleotide variant.
Coding change: c.452A>G on transcript NM_001038.6 (MANE Select); coding-DNA position 452, A replaced by G.
Protein change: p.Asp151Gly; replaces aspartic acid 151 with glycine.
Molecular consequence: missense variant.
Genome position (GRCh38, 1-based): chr12:6,363,675, T>C on the plus strand (A>G on the coding strand, the complement: SCNN1A is on the minus strand). VCF-style: chr12-6363675-T-C. GRCh37 (hg19) VCF-style: chr12-6472841-T-C.
Other names: c.452A>G (NM_001038.5); c.521A>G, p.Asp174Gly (NM_001159575.2); c.629A>G, p.Asp210Gly (NM_001159576.2); short protein forms D151G, D174G, D210G.
Identifiers: ClinVar variation 1959093 (VCV001959093.6), dbSNP rs746734280, ClinGen allele CA6406211.

ClinVar aggregate classification (germline): Uncertain significance. Review status: criteria provided, multiple submitters, no conflicts (2 of 4 stars). 2 submissions from 2 submitters: Uncertain significance (2). Last evaluated 2025-10-02.

Conditions:
Inborn genetic diseases. Identifiers: MedGen C0950123, MeSH D030342.

Allele frequency attached by ClinVar (database versions not stated): TOPMed 0.00001; ExAC 0.00003; gnomAD exomes 0.00003.
gnomAD v4.1: 36 of 1,603,204 alleles (0.0022%); highest among the groups gnomAD compares: Non-Finnish European, 0.0028%; no homozygotes.

Submissions (2):

Ambry Genetics
Classification: Uncertain significance for Inborn genetic diseases. Last evaluated: 2025-10-02. Review status: criteria provided, single submitter. Criteria: Ambry Variant Classification Scheme 2023. Collection method: clinical testing. Allele origin: germline.

Labcorp Genetics (formerly Invitae), Labcorp
Classification: Uncertain significance. Last evaluated: 2022-08-21. Review status: criteria provided, single submitter. Criteria: Invitae Variant Classification Sherloc (09022015). Collection method: clinical testing. Allele origin: germline.
Comment: In summary, the available evidence is currently insufficient to determine the role of this variant in disease. Therefore, it has been classified as a Variant of Uncertain Significance. Algorithms developed to predict the effect of missense changes on protein structure and function are either unavailable or do not agree on the potential impact of this missense change (SIFT: "Tolerated"; PolyPhen-2: "Probably Damaging"; Align-GVGD: "Class C0"). This variant has not been reported in the literature in individuals affected with SCNN1A-related conditions. This variant is present in population databases (rs746734280, gnomAD 0.006%). This sequence change replaces aspartic acid, which is acidic and polar, with glycine, which is neutral and non-polar, at codon 151 of the SCNN1A protein (p.Asp151Gly).